The following is an entry in ClinVar:

ClinVar aggregate classification (germline): Likely pathogenic (1 of 4 stars; one submission).

Conditions:
Ehlers-Danlos syndrome due to tenascin-X deficiency (EDSCLL1). Also called: EHLERS-DANLOS SYNDROME, CLASSIC-LIKE; Ehlers-Danlos syndrome, classic-like, 1; TNX DEFICIENCY; TNXB-Related Classical-Like Ehlers-Danlos Syndrome; EDS DUE TO TNX DEFICIENCY. Identifiers: Orphanet 230839, MedGen C1848029, MONDO:0011670, OMIM 606408.

Submission:

Juno Genomics, Hangzhou Juno Genomics, Inc
Classification: Likely pathogenic for Ehlers-Danlos syndrome due to tenascin-X deficiency. Review status: criteria provided, single submitter. Criteria: ACMG Guidelines, 2015. Collection method: clinical testing. Allele origin: germline.
Comment: Null variant in a gene where loss of function (LOF) is a known mechanism of disease.;Absent from controls (or at extremely low frequency if recessive) in Genome Aggregation Database.

NM_001365276.2(TNXB):c.8947_8948del (p.Thr2983fs)

Gene: TNXB (tenascin XB; minus strand). Cytogenetic location: 6p21.33.
Variant type: Deletion.
Coding change: c.8947_8948del on transcript NM_001365276.2 (MANE Select); coding-DNA positions 8947 to 8948, 2 bases deleted (AC; older notation c.8947_8948delAC).
Protein change: p.Thr2983fs; shifts the reading frame from threonine 2983.
Molecular consequence: frameshift variant.
Genome position (GRCh38, 1-based): chr6:32,052,837-32,052,838, GT deleted on the plus strand (AC on the coding strand, the reverse complement: TNXB is on the minus strand); deleting any 2 consecutive bases within chr6:32,052,837-32,052,839 gives the same sequence; the c. name uses the placement nearest the transcript's 3' end. VCF-style (leftmost placement, unchanged base first): chr6-32052836-AGT-A. GRCh37 (hg19) VCF-style: chr6-32020613-AGT-A.
Other names: c.9688_9689del, p.Thr3230fs (NM_001428335.1); c.8941_8942del, p.Thr2981fs (NM_019105.8); short protein forms T2981fs, T3230fs, T2983fs.
Identifiers: ClinVar variation 5007025 (VCV005007025.2).